The following is an entry in ClinVar:

NM_002292.4(LAMB2):c.3109+1G>T

Gene: LAMB2 (laminin subunit beta 2; minus strand). Cytogenetic location: 3p21.31.
Variant type: single nucleotide variant.
Coding change: c.3109+1G>T on transcript NM_002292.4 (MANE Select); the canonical splice donor site of the intron after coding-DNA position 3109, G replaced by T.
Molecular consequence: splice donor variant.
Genome position (GRCh38, 1-based): chr3:49,124,700, C>A on the plus strand (G>T on the coding strand, the complement: LAMB2 is on the minus strand). VCF-style: chr3-49124700-C-A. GRCh37 (hg19) VCF-style: chr3-49162133-C-A.
Identifiers: ClinVar variation 505117 (VCV000505117.4), dbSNP rs888830612, ClinGen allele CA352712801.

ClinVar aggregate classification (germline): Likely pathogenic (1 of 4 stars; one submission).

Conditions:
Pierson syndrome. Also called: MICROCORIA-CONGENITAL NEPHROTIC SYNDROME. Identifiers: Orphanet 2670, MedGen C1836876, MONDO:0012184, OMIM 609049.

gnomAD v4.1: 6 of 1,614,170 alleles (0.00037%); highest among the groups gnomAD compares: Non-Finnish European, 0.00051%; no homozygotes.

Submission:

Laboratory for Molecular Medicine, Mass General Brigham Personalized Medicine
Classification: Likely pathogenic for Pierson syndrome. Last evaluated: 2016-07-08. Review status: criteria provided, single submitter. Criteria: LMM Criteria. Collection method: clinical testing. Allele origin: germline. Inheritance: Autosomal recessive inheritance. Observed: 1 variant allele.
Comment: The c.3109+1G>T variant in LAMB2 has not been reported in individuals with disea se and was absent from large population studies. This variant occurs in the inva riant region (+/- 1,2) of the splice consensus sequence and is predicted to caus e altered splicing leading to an abnormal or absent protein. A variant affecting the same invariant region in intron 21 has been reported in a patient with Pier son syndrome (Machuca 2010). Biallelic loss of function variants in LAMB2 are a ssociated with Pierson syndrome. In summary, although additional studies are nee ded to confirm its significance, this variant is likely pathogenic.

Literature cited by the submitters: PubMed 20507940.